The following is an entry in ClinVar:

NM_001354483.2(CSGALNACT1):c.500C>G (p.Pro167Arg)

Gene: CSGALNACT1 (chondroitin sulfate N-acetylgalactosaminyltransferase 1; minus strand). Cytogenetic location: 8p21.3.
Variant type: single nucleotide variant.
Coding change: c.500C>G on transcript NM_001354483.2 (MANE Select); coding-DNA position 500, C replaced by G.
Protein change: p.Pro167Arg; replaces proline 167 with arginine.
Molecular consequence: missense variant. On other transcripts: non-coding transcript variant (7).
Genome position (GRCh38, 1-based): chr8:19,505,335, G>C on the plus strand (C>G on the coding strand, the complement: CSGALNACT1 is on the minus strand). VCF-style: chr8-19505335-G-C. GRCh37 (hg19) VCF-style: chr8-19362846-G-C.
Other names: c.500C>G, p.Pro167Arg (NM_001130518.2, NM_001354475.2, NM_001354476.2 and 18 more transcripts); short protein forms P167R.
Identifiers: ClinVar variation 3497565 (VCV003497565.3).
Genomic context (GRCh38, chr8:19,505,335, plus strand): 5'-GCTGATTCAATGGCTTCCACCAACTCATCCCGCTTGTCCTTCCTCACAGGCTTCTCCTCG[G>C]GGTGGCGGGTAAGGCCAGTCTCCAGCTGGTACACCTTCTGTAGAGTAAAGCTATCGAAAG-3'
Protein context (NP_001341412.1, residues 157-177): YQLETGLTRH[Pro167Arg]EEKPVRKDKR

ClinVar aggregate classification (germline): Uncertain significance. Review status: criteria provided, multiple submitters, no conflicts (2 of 4 stars). 2 submissions from 2 submitters: Uncertain significance (2). Last evaluated 2026-10-16.

Conditions:
Inborn genetic diseases. Identifiers: MedGen C0950123, MeSH D030342.

Submissions (2):

GeneDx
Classification: Uncertain significance. Last evaluated: 2026-10-16. Review status: criteria provided, single submitter. Criteria: GeneDx Variant Classification Process June 2021. Collection method: clinical testing. Allele origin: germline.
Comment: In silico analysis supports that this missense variant has a deleterious effect on protein structure/function; Has not been previously published as pathogenic or benign to our knowledge

Ambry Genetics
Classification: Uncertain significance for Inborn genetic diseases. Last evaluated: 2024-12-04. Review status: criteria provided, single submitter. Criteria: Ambry Variant Classification Scheme 2023. Collection method: clinical testing. Allele origin: germline.